The following is an entry in ClinVar:

NM_002913.5(RFC1):c.1792A>G (p.Ile598Val)

Gene: RFC1 (replication factor C subunit 1; minus strand). Cytogenetic location: 4p14.
Variant type: single nucleotide variant.
Coding change: c.1792A>G on transcript NM_002913.5 (MANE Select); coding-DNA position 1792, A replaced by G.
Protein change: p.Ile598Val; replaces isoleucine 598 with valine.
Molecular consequence: missense variant.
Genome position (GRCh38, 1-based): chr4:39,308,729, T>C on the plus strand (A>G on the coding strand, the complement: RFC1 is on the minus strand). VCF-style: chr4-39308729-T-C. GRCh37 (hg19) VCF-style: chr4-39310349-T-C.
Other names: c.1792A>G, p.Ile598Val (NM_001204747.2); c.1714A>G, p.Ile572Val (NM_001363495.2, NM_001363496.2); short protein forms I572V, I598V.
Identifiers: ClinVar variation 720920 (VCV000720920.6), dbSNP rs2066791, ClinGen allele CA2893057.

ClinVar aggregate classification (germline): Benign. Review status: criteria provided, multiple submitters, no conflicts (2 of 4 stars). 3 submissions from 3 submitters: Benign (2). 1 of the submissions does not count toward it. Last evaluated 2018-04-09.

Conditions:
RFC1-related disorder. Also called: RFC1-related condition; RFC1-Related Disorders. Identifiers: MedGen CN382339.

Allele frequency attached by ClinVar (database versions not stated): gnomAD exomes 0.00042 and 0.00111; ExAC 0.00138; 1000 Genomes Project 0.00359; 1000 Genomes Project 30x 0.00375; gnomAD 0.00439 and 0.00466; TOPMed 0.00493; ESP Exome Variant Server 0.00546.
gnomAD v4.1: 1,300 of 1,614,210 alleles (0.081%); highest among the groups gnomAD compares: African/African-American, 1.5%; 9 homozygotes.

Submissions (3):

Labcorp Genetics (formerly Invitae), Labcorp
Classification: Benign. Last evaluated: 2018-04-09. Review status: criteria provided, single submitter. Criteria: Invitae Variant Classification Sherloc (09022015). Collection method: clinical testing. Allele origin: germline.

Breakthrough Genomics
Classification: Benign. Review status: criteria provided, single submitter. Criteria: ACMG Guidelines, 2015. Collection method: not provided. Allele origin: germline. Inheritance: Autosomal recessive inheritance. Affected: yes.

PreventionGenetics, part of Exact Sciences
Classification: Benign for RFC1-related condition. Last evaluated: 2019-11-13. Review status: no assertion criteria provided. Collection method: clinical testing. Allele origin: germline. Not counted in ClinVar's aggregate classification.
Comment: This variant is classified as benign based on ACMG/AMP sequence variant interpretation guidelines (Richards et al. 2015 PMID: 25741868, with internal and published modifications).